The following is an entry in ClinVar:

NM_012431.3(SEMA3E):c.1574C>T (p.Ala525Val)

Gene: SEMA3E (semaphorin 3E; minus strand). Cytogenetic location: 7q21.11.
Variant type: single nucleotide variant.
Coding change: c.1574C>T on transcript NM_012431.3 (MANE Select); coding-DNA position 1574, C replaced by T.
Protein change: p.Ala525Val; replaces alanine 525 with valine.
Molecular consequence: missense variant.
Genome position (GRCh38, 1-based): chr7:83,392,648, G>A on the plus strand (C>T on the coding strand, the complement: SEMA3E is on the minus strand). VCF-style: chr7-83392648-G-A. GRCh37 (hg19) VCF-style: chr7-83021964-G-A.
Other names: c.1394C>T, p.Ala465Val (NM_001178129.2); short protein forms A465V, A525V.
Identifiers: ClinVar variation 4742265 (VCV004742265.1).

ClinVar aggregate classification (germline): Uncertain significance (1 of 4 stars; one submission).

Conditions:
CHARGE syndrome (CHARGE). Also called: Hittner Hirsch Kreh syndrome; CHARGE ASSOCIATION--COLOBOMA, HEART ANOMALY, CHOANAL ATRESIA, RETARDATION, GENITAL AND EAR ANOMALIES; Coloboma, heart anomaly, choanal atresia, retardation, genital and ear anomalies; CHARGE association; Hall-Hittner syndrome. Identifiers: Orphanet 138, MedGen C0265354, MONDO:0008965.

gnomAD v4.1: 1 of 1,613,844 alleles (0.000062%); highest among the groups gnomAD compares: African/African-American, 0.0013%; no homozygotes.

Submission:

Labcorp Genetics (formerly Invitae), Labcorp
Classification: Uncertain significance for CHARGE syndrome. Last evaluated: 2025-08-29. Review status: criteria provided, single submitter. Criteria: Invitae Variant Classification Sherloc (09022015). Collection method: clinical testing. Allele origin: germline.
Comment: This sequence change replaces alanine, which is neutral and non-polar, with valine, which is neutral and non-polar, at codon 525 of the SEMA3E protein (p.Ala525Val). This variant is not present in population databases (gnomAD no frequency). This variant has not been reported in the literature in individuals affected with SEMA3E-related conditions. Invitae Evidence Modeling of protein sequence and biophysical properties (such as structural, functional, and spatial information, amino acid conservation, physicochemical variation, residue mobility, and thermodynamic stability) indicates that this missense variant is not expected to disrupt SEMA3E protein function with a negative predictive value of 80%. In summary, the available evidence is currently insufficient to determine the role of this variant in disease. Therefore, it has been classified as a Variant of Uncertain Significance.